The following is an entry in ClinVar:

NM_001163435.3(TBCK):c.1512+1G>A

Gene: TBCK (TBC1 domain containing kinase; minus strand). Cytogenetic location: 4q24.
Variant type: single nucleotide variant.
Coding change: c.1512+1G>A on transcript NM_001163435.3 (MANE Select); the canonical splice donor site of the intron after coding-DNA position 1512, G replaced by A.
Molecular consequence: splice donor variant.
Genome position (GRCh38, 1-based): chr4:106,233,587, C>T on the plus strand (G>A on the coding strand, the complement: TBCK is on the minus strand). VCF-style: chr4-106233587-C-T. GRCh37 (hg19) VCF-style: chr4-107154744-C-T.
Other names: NM_033115.5:c.1323+1G>A; c.1512+1G>A (NM_001163436.4); c.1323+1G>A (NM_033115.5); c.1395+1G>A (NM_001163437.3); c.996+1G>A (NM_001290768.2).
Identifiers: ClinVar variation 3777005 (VCV003777005.1).
Genomic context (GRCh38, chr4:106,233,587, plus strand): 5'-TCCTAAAATTTAAATATTTGGCAGAATTATCTTAGGTTGCTTAAGAAAACCTAAATCATA[C>T]TTGTCTATCTGTAGGAATTGGAGTGTCTTTATCAATTGCATCGTACTTGGCATGAATAGC-3'

ClinVar aggregate classification (germline): Likely pathogenic (1 of 4 stars; one submission).

Conditions:
Hypotonia, infantile, with psychomotor retardation and characteristic facies 3 (IHPRF3). Also called: TBCK-Related Neurodevelopmental Disorder. Identifiers: Orphanet 488632, MedGen C5567480, MONDO:0014823, OMIM 616900.

gnomAD v4.1: 2 of 1,610,098 alleles (0.00012%); highest among the groups gnomAD compares: Non-Finnish European, 0.00017%; no homozygotes.

Submission:

Broad Center for Mendelian Genomics, Broad Institute of MIT and Harvard
Classification: Likely pathogenic for Hypotonia, infantile, with psychomotor retardation and characteristic facies 3. Last evaluated: 2025-01-13. Review status: criteria provided, single submitter. Criteria: ACMG Guidelines, 2015. Collection method: curation. Allele origin: germline. Inheritance: Autosomal recessive inheritance.
Comment: The c.1512+1G>A variant in TBCK has been reported in two siblings, in the compound heterozygous state, with TBCK-related intellectual disability syndrome (PMID: 36522252), and has been identified in 0.0002% (2/1109634) of European (non-Finnish) chromosomes by the Genome Aggregation Database (gnomAD; dbSNP ID: rs374319146). Although this variant has been seen in the general population in a heterozygous state, its frequency is low enough to be consistent with a recessive carrier frequency. This variant is located in the 3' splice region. Computational tools predict a splicing impact, though this information is not predictive enough to determine pathogenicity. This variant is adjacent to an in-frame exon and is more likely to escape nonsense mediated decay (NMD) and result in a truncated protein. Loss of function of the TBCK gene is an established disease mechanism in autosomal recessive TBCK-related intellectual disability syndrome. In summary, although additional studies are required to fully establish its clinical significance, this variant is likely pathogenic for autosomal recessive TBCK-related intellectual disability syndrome. ACMG/AMP Criteria applied: PM3, PVS1_strong, PM2_supporting (Richards 2015).